The following is an entry in ClinVar:

ClinVar aggregate classification (germline): Pathogenic (1 of 4 stars; one submission).

Conditions:
Duchenne muscular dystrophy (DMD). Also called: Duchenne Muscular Dystrophy (DMD); MUSCULAR DYSTROPHY, PSEUDOHYPERTROPHIC PROGRESSIVE, DUCHENNE TYPE. Identifiers: Orphanet 98896, MedGen C0013264, MONDO:0010679, OMIM 310200.

Submission:

Labcorp Genetics (formerly Invitae), Labcorp
Classification: Pathogenic for Duchenne muscular dystrophy. Last evaluated: 2022-03-18. Review status: criteria provided, single submitter. Criteria: Invitae Variant Classification Sherloc (09022015). Collection method: clinical testing. Allele origin: germline.
Comment: For these reasons, this variant has been classified as Pathogenic. A similar copy number variant has been observed in individuals with DMD-related conditions (PMID: 18055393, 26081009, 31705731). This variant is a gross deletion of the genomic region encompassing exon(s) 8-19 of the DMD gene. This variant would be expected to be in-frame, preserving the integrity of the reading frame.

Literature cited by the submitters: PubMed 18055393; PubMed 26081009; PubMed 31705731.

NC_000023.10:g.(?_32519852)_(32717430_?)del

Gene: DMD (dystrophin; minus strand). Cytogenetic location: Xp21.1.
Variant type: Deletion.
Identifiers: ClinVar variation 1460104 (VCV001460104.6).